The following is an entry in ClinVar:

NM_015570.4(AUTS2):c.40C>T (p.Arg14Trp)

Gene: AUTS2 (activator of transcription and developmental regulator AUTS2; plus strand). Cytogenetic location: 7q11.22.
Variant type: single nucleotide variant.
Coding change: c.40C>T on transcript NM_015570.4 (MANE Select); coding-DNA position 40, C replaced by T.
Protein change: p.Arg14Trp; replaces arginine 14 with tryptophan.
Molecular consequence: missense variant.
Genome position (GRCh38, 1-based): chr7:69,599,693, C>T. VCF-style: chr7-69599693-C-T. GRCh37 (hg19) VCF-style: chr7-69064679-C-T.
Other names: c.40C>T, p.Arg14Trp (NM_001127231.3, NM_001127232.3); short protein forms R14W.
Identifiers: ClinVar variation 2662364 (VCV002662364.4), dbSNP rs2484022557, ClinGen allele CA367702743.

ClinVar aggregate classification (germline): Uncertain significance. Review status: criteria provided, multiple submitters, no conflicts (2 of 4 stars). 2 submissions from 2 submitters: Uncertain significance (2). Last evaluated 2023-05-11.

Submissions (2):

GeneDx
Classification: Uncertain significance. Last evaluated: 2023-05-11. Review status: criteria provided, single submitter. Criteria: GeneDx Variant Classification Process June 2021. Collection method: clinical testing. Allele origin: germline. Affected: yes.
Comment: Not observed at significant frequency in large population cohorts (gnomAD); In silico analysis supports that this missense variant has a deleterious effect on protein structure/function; Has not been previously published as pathogenic or benign to our knowledge

Labcorp Genetics (formerly Invitae), Labcorp
Classification: Uncertain significance. Last evaluated: 2023-03-27. Review status: criteria provided, single submitter. Criteria: Invitae Variant Classification Sherloc (09022015). Collection method: clinical testing. Allele origin: germline.
Comment: In summary, the available evidence is currently insufficient to determine the role of this variant in disease. Therefore, it has been classified as a Variant of Uncertain Significance. An algorithm developed to predict the effect of missense changes on protein structure and function (PolyPhen-2) suggests that this variant is likely to be disruptive. This variant has not been reported in the literature in individuals affected with AUTS2-related conditions. This variant is not present in population databases (gnomAD no frequency). This sequence change replaces arginine, which is basic and polar, with tryptophan, which is neutral and slightly polar, at codon 14 of the AUTS2 protein (p.Arg14Trp).